The following is an entry in ClinVar:

NM_005862.3(STAG1):c.3262C>T (p.Arg1088Ter)

Gene: STAG1 (STAG1 cohesin complex component; minus strand). Cytogenetic location: 3q22.3.
Variant type: single nucleotide variant.
Coding change: c.3262C>T on transcript NM_005862.3 (MANE Select); coding-DNA position 3262, C replaced by T.
Protein change: p.Arg1088Ter; replaces arginine 1088 with a stop codon.
Molecular consequence: nonsense.
Genome position (GRCh38, 1-based): chr3:136,349,167, G>A on the plus strand (C>T on the coding strand, the complement: STAG1 is on the minus strand). VCF-style: chr3-136349167-G-A. GRCh37 (hg19) VCF-style: chr3-136068009-G-A.
Other names: short protein forms R1088*.
Identifiers: ClinVar variation 4891140 (VCV004891140.1).

ClinVar aggregate classification (germline): Pathogenic (1 of 4 stars; one submission).

Conditions:
Intellectual developmental disorder, autosomal dominant 47. Also called: MENTAL RETARDATION, AUTOSOMAL DOMINANT 47; Intellectual disability, autosomal dominant 47. Identifiers: Orphanet 502434, MedGen C4539951, MONDO:0030912, OMIM 617635.

Submission:

Greenwood Genetic Center Diagnostic Laboratories, Greenwood Genetic Center
Classification: Pathogenic for Intellectual developmental disorder, autosomal dominant 47. Last evaluated: 2026-06-09. Review status: criteria provided, single submitter. Criteria: ACMG Guidelines, 2015. Collection method: clinical testing. Allele origin: germline. Affected: yes.
Comment: PVS1, PM2, PS2